The following is an entry in ClinVar:

NM_001080397.3(SLC45A1):c.186G>C (p.Pro62=)

Gene: SLC45A1 (solute carrier family 45 member 1; plus strand). Cytogenetic location: 1p36.23.
Variant type: single nucleotide variant.
Coding change: c.186G>C on transcript NM_001080397.3 (MANE Select); coding-DNA position 186, G replaced by C.
Protein change: p.Pro62=; no amino-acid change (proline 62 retained).
Molecular consequence: synonymous variant. On other transcripts: intron variant (2).
Genome position (GRCh38, 1-based): chr1:8,324,515, G>C. VCF-style: chr1-8324515-G-C. GRCh37 (hg19) VCF-style: chr1-8384575-G-C.
Other names: c.186G>C, p.Pro62= (NM_001379614.1, NM_001379615.1, NM_001379616.1); c.-116-1303G>C (NM_001379617.1, NM_001379618.1).
Identifiers: ClinVar variation 3037428 (VCV003037428.2), dbSNP rs752538342, ClinGen allele CA17659683.
Genomic context (GRCh38, chr1:8,324,515, plus strand): 5'-GGCCAACAACTTCAAACGACACCCCAAGAGGAGGAAGTGCATTCGTCCCTCCCCACCCCC[G>C]CCCCCCAACACCCCGTGCCCGCTTGAGCTGGTGGACTTCGGGGACCTGCACCCCCAGAGG-3'
Protein context (NP_001073866.3, residues 52-72): RRKCIRPSPP[Pro62=]PPNTPCPLEL

ClinVar aggregate classification (germline): Likely benign (0 of 4 stars; one submission).

Conditions:
SLC45A1-related disorder. Also called: SLC45A1-related condition.

Submission:

PreventionGenetics, part of Exact Sciences
Classification: Likely benign for SLC45A1-related condition. Last evaluated: 2019-05-07. Review status: no assertion criteria provided. Collection method: clinical testing. Allele origin: germline.
Comment: This variant is classified as likely benign based on ACMG/AMP sequence variant interpretation guidelines (Richards et al. 2015 PMID: 25741868, with internal and published modifications).